The following is an entry in ClinVar:

NM_000159.4(GCDH):c.1206del (p.His403fs)

Gene: GCDH (glutaryl-CoA dehydrogenase; plus strand). Cytogenetic location: 19p13.13.
Variant type: Deletion.
Coding change: c.1206del on transcript NM_000159.4 (MANE Select); coding-DNA position 1206, one base deleted (G; older notation c.1206delG).
Protein change: p.His403fs; shifts the reading frame from histidine 403.
Molecular consequence: frameshift variant. On other transcripts: non-coding transcript variant (2).
Genome position (GRCh38, 1-based): chr19:12,897,826, G deleted; the last of 2 consecutive G bases (chr19:12,897,825-12,897,826); deleting either gives the same sequence. VCF-style (leftmost placement, unchanged base first): chr19-12897824-CG-C. GRCh37 (hg19) VCF-style: chr19-13008638-CG-C.
Other names: c.1206del, p.His403fs (NM_013976.5); short protein forms H403fs.
Identifiers: ClinVar variation 4720413 (VCV004720413.1).

ClinVar aggregate classification (germline): Pathogenic (1 of 4 stars; one submission).

Conditions:
Glutaric aciduria, type 1. Also called: Glutaricacidemia Type 1; Glutaricaciduria, type I; Glutaryl-CoA dehydrogenase deficiency; Glutaric Acidemia Type 1; GA I; Glutaric acidemia type I. Identifiers: Orphanet 25, MedGen C0268595, MONDO:0009281, OMIM 231670.

Submission:

Labcorp Genetics (formerly Invitae), Labcorp
Classification: Pathogenic for Glutaric aciduria, type 1. Last evaluated: 2025-06-02. Review status: criteria provided, single submitter. Criteria: Invitae Variant Classification Sherloc (09022015). Collection method: clinical testing. Allele origin: germline.
Comment: This sequence change creates a premature translational stop signal (p.His403Thrfs*3) in the GCDH gene. While this is not anticipated to result in nonsense mediated decay, it is expected to disrupt the last 36 amino acid(s) of the GCDH protein. This variant is not present in population databases (gnomAD no frequency). This variant has not been reported in the literature in individuals affected with GCDH-related conditions. This variant disrupts a region of the GCDH protein in which other variant(s) (p.Ala433Glu) have been determined to be pathogenic (PMID: 9600243; internal data). This suggests that this is a clinically significant region of the protein, and that variants that disrupt it are likely to be disease-causing. For these reasons, this variant has been classified as Pathogenic.

Literature cited by the submitters: PubMed 9600243.